The following is an entry in ClinVar:

ClinVar aggregate classification (germline): Conflicting classifications of pathogenicity. Review status: criteria provided, conflicting classifications (1 of 4 stars). 2 submissions from 2 submitters: Uncertain significance (1); Likely benign (1). Last evaluated 2025-02-04.

Conditions:
CHEK1-related disorder. Also called: CHEK1-related condition.

Allele frequency attached by ClinVar (database versions not stated): ExAC 0.00002; gnomAD exomes 0.00008; gnomAD 0.00130; TOPMed 0.00130.
gnomAD v4.1: 302 of 1,612,834 alleles (0.019%); highest among the groups gnomAD compares: Admixed American, 0.5%; 5 homozygotes.

Submissions (2):

PreventionGenetics, part of Exact Sciences
Classification: Likely benign for CHEK1-related condition. Last evaluated: 2025-02-04. Review status: criteria provided, single submitter. Criteria: ACMG Guidelines, 2015. Collection method: clinical testing. Allele origin: germline.
Comment: This variant is classified as likely benign based on ACMG/AMP sequence variant interpretation guidelines (Richards et al. 2015 PMID: 25741868, with internal and published modifications).

Ambry Genetics
Classification: Uncertain significance. Last evaluated: 2022-09-06. Review status: criteria provided, single submitter. Criteria: Ambry Variant Classification Scheme 2023. Collection method: clinical testing. Allele origin: germline.

NM_001114122.3(CHEK1):c.230G>T (p.Gly77Val)

Gene: CHEK1 (checkpoint kinase 1; plus strand). Cytogenetic location: 11q24.2.
Variant type: single nucleotide variant.
Coding change: c.230G>T on transcript NM_001114122.3 (MANE Select); coding-DNA position 230, G replaced by T.
Protein change: p.Gly77Val; replaces glycine 77 with valine.
Molecular consequence: missense variant. On other transcripts: non-coding transcript variant (1), intron variant (2).
Genome position (GRCh38, 1-based): chr11:125,627,771, G>T. VCF-style: chr11-125627771-G-T. GRCh37 (hg19) VCF-style: chr11-125497666-G-T.
Other names: c.230G>T, p.Gly77Val (NM_001114121.2, NM_001244846.1, NM_001274.5); c.-15+938G>T (NM_001330427.2); c.7+938G>T (NM_001330428.1); short protein forms G77V.
Identifiers: ClinVar variation 3144286 (VCV003144286.3), dbSNP rs758124077, ClinGen allele CA6349343.